The following is an entry in ClinVar:

ClinVar aggregate classification (germline): Conflicting classifications of pathogenicity. Review status: criteria provided, conflicting classifications (1 of 4 stars). 4 submissions from 4 submitters: Uncertain significance (3); Likely benign (1). Last evaluated 2025-12-07.

Conditions:
Dilated cardiomyopathy 1DD (CMD1DD). Identifiers: Orphanet 154, MedGen C2750995, MONDO:0013168, OMIM 613172.
Cardiovascular phenotype. Identifiers: MedGen CN230736.

Allele frequency attached by ClinVar (database versions not stated): TOPMed 0.00002.
gnomAD v4.1: 17 of 1,548,412 alleles (0.0011%); highest among the groups gnomAD compares: East Asian, 0.027%; no homozygotes.

Submissions (4):

Labcorp Genetics (formerly Invitae), Labcorp
Classification: Likely benign for Dilated cardiomyopathy 1DD. Last evaluated: 2025-12-07. Review status: criteria provided, single submitter. Criteria: Invitae Variant Classification Sherloc (09022015). Collection method: clinical testing. Allele origin: germline.

Blueprint Genetics
Classification: Uncertain significance. Last evaluated: 2024-03-08. Review status: criteria provided, single submitter. Criteria: ACMG Guidelines, 2015. Collection method: clinical testing. Allele origin: germline.

Ambry Genetics
Classification: Uncertain significance for Cardiovascular phenotype. Last evaluated: 2021-12-16. Review status: criteria provided, single submitter. Criteria: Ambry Variant Classification Scheme 2023. Collection method: clinical testing. Allele origin: germline.
Comment: The p.D351H variant (also known as c.1051G>C), located in coding exon 2 of the RBM20 gene, results from a G to C substitution at nucleotide position 1051. The aspartic acid at codon 351 is replaced by histidine, an amino acid with similar properties. This alteration has been reported in a genetic testing cohort with limited clinical details (Parikh VN et al. Circ Heart Fail, 2019 03;12:e005371). This amino acid position is not well conserved in available vertebrate species. In addition, the in silico prediction for this alteration is inconclusive. Since supporting evidence is limited at this time, the clinical significance of this alteration remains unclear.

Laboratory for Molecular Medicine, Mass General Brigham Personalized Medicine
Classification: Uncertain significance. Last evaluated: 2013-10-21. Review status: criteria provided, single submitter. Criteria: LMM Criteria. Collection method: clinical testing. Allele origin: germline. Observed: 1 variant allele.
Comment: The Asp351His variant in RBM20 has not been reported in individuals with cardiom yopathy. Computational analyses (biochemical amino acid properties, conservation , AlignGVGD, and PolyPhen2) do not provide strong support for or against an impa ct to the protein. Additional information is needed to fully assess the clinical significance of this variant.

Literature cited by the submitters: PubMed 30871351 (cited by Ambry Genetics).

NM_001134363.3(RBM20):c.1051G>C (p.Asp351His)

Gene: RBM20 (RNA binding motif protein 20; plus strand). Cytogenetic location: 10q25.2.
Variant type: single nucleotide variant.
Coding change: c.1051G>C on transcript NM_001134363.3 (MANE Select); coding-DNA position 1051, G replaced by C.
Protein change: p.Asp351His; replaces aspartic acid 351 with histidine.
Molecular consequence: missense variant.
Genome position (GRCh38, 1-based): chr10:110,781,660, G>C. VCF-style: chr10-110781660-G-C. GRCh37 (hg19) VCF-style: chr10-112541418-G-C.
Other names: short protein forms D351H.
Identifiers: ClinVar variation 179351 (VCV000179351.16), dbSNP rs372999896, ClinGen allele CA184253.